The following is an entry in ClinVar:

NM_003737.4(DCHS1):c.9580C>T (p.Pro3194Ser)

Gene: DCHS1 (dachsous cadherin-related 1; minus strand). Cytogenetic location: 11p15.4.
Variant type: single nucleotide variant.
Coding change: c.9580C>T on transcript NM_003737.4 (MANE Select); coding-DNA position 9580, C replaced by T.
Protein change: p.Pro3194Ser; replaces proline 3194 with serine.
Molecular consequence: missense variant.
Genome position (GRCh38, 1-based): chr11:6,622,096, G>A on the plus strand (C>T on the coding strand, the complement: DCHS1 is on the minus strand). VCF-style: chr11-6622096-G-A. GRCh37 (hg19) VCF-style: chr11-6643327-G-A.
Other names: short protein forms P3194S.
Identifiers: ClinVar variation 2788717 (VCV002788717.3), dbSNP rs2493807967, ClinGen allele CA379478450.

ClinVar aggregate classification (germline): Uncertain significance (1 of 4 stars; one submission).

gnomAD v4.1: 1 of 1,613,218 alleles (0.000062%); highest among the groups gnomAD compares: Non-Finnish European, 0.000085%; no homozygotes.

Submission:

Labcorp Genetics (formerly Invitae), Labcorp
Classification: Uncertain significance. Last evaluated: 2025-07-07. Review status: criteria provided, single submitter. Criteria: Invitae Variant Classification Sherloc (09022015). Collection method: clinical testing. Allele origin: germline.
Comment: This sequence change replaces proline, which is neutral and non-polar, with serine, which is neutral and polar, at codon 3194 of the DCHS1 protein (p.Pro3194Ser). This variant is not present in population databases (gnomAD no frequency). This variant has not been reported in the literature in individuals affected with DCHS1-related conditions. ClinVar contains an entry for this variant (Variation ID: 2788717). Invitae Evidence Modeling of protein sequence and biophysical properties (such as structural, functional, and spatial information, amino acid conservation, physicochemical variation, residue mobility, and thermodynamic stability) indicates that this missense variant is not expected to disrupt DCHS1 protein function with a negative predictive value of 95%. In summary, the available evidence is currently insufficient to determine the role of this variant in disease. Therefore, it has been classified as a Variant of Uncertain Significance.